The following is an entry in ClinVar:

NM_001378454.1(ALMS1):c.7676G>A (p.Gly2559Asp)

Gene: ALMS1 (ALMS1 centrosome and basal body associated protein; plus strand). Cytogenetic location: 2p13.1.
Variant type: single nucleotide variant.
Coding change: c.7676G>A on transcript NM_001378454.1 (MANE Select); coding-DNA position 7676, G replaced by A.
Protein change: p.Gly2559Asp; replaces glycine 2559 with aspartic acid.
Molecular consequence: missense variant.
Genome position (GRCh38, 1-based): chr2:73,489,635, G>A. VCF-style: chr2-73489635-G-A. GRCh37 (hg19) VCF-style: chr2-73716762-G-A.
Other names: c.7679G>A, p.Gly2560Asp (NM_015120.4); short protein forms G2560D, G2559D.
Identifiers: ClinVar variation 451581 (VCV000451581.2), dbSNP rs1248528012, ClinGen allele CA347263829.

ClinVar aggregate classification (germline): Uncertain significance (1 of 4 stars; one submission).

Submission:

GeneDx
Classification: Uncertain significance. Last evaluated: 2017-08-23. Review status: criteria provided, single submitter. Criteria: GeneDx Variant Classification (06012015). Collection method: clinical testing. Allele origin: germline. Affected: yes.
Comment: A variant of uncertain significance has been identified in the ALMS1 gene. The G2560D variant has not been published as pathogenic or been reported as benign to our knowledge. This variant is not observed in large population cohorts (Lek et al., 2016; 1000 Genomes Consortium et al., 2015; Exome Variant Server). The G2560D variant is a non-conservative amino acid substitution, which is likely to impact secondary protein structure as these residues differ in polarity, charge, size and/or other properties. Nevertheless, this substitution occurs at a position that is not conserved and aspartic acid is tolerated at this position in at least two species. Furthermore, in silico analysis predicts this variant likely does not alter the protein structure/function.